The following is an entry in ClinVar:

NM_031372.4(HNRNPDL):c.1094A>G (p.Tyr365Cys)

Gene: HNRNPDL (heterogeneous nuclear ribonucleoprotein D like; minus strand). Cytogenetic location: 4q21.22.
Variant type: single nucleotide variant.
Coding change: c.1094A>G on transcript NM_031372.4 (MANE Select); coding-DNA position 1094, A replaced by G.
Protein change: p.Tyr365Cys; replaces tyrosine 365 with cysteine.
Molecular consequence: missense variant. On other transcripts: non-coding transcript variant (1), intron variant (1).
Genome position (GRCh38, 1-based): chr4:82,426,561, T>C on the plus strand (A>G on the coding strand, the complement: HNRNPDL is on the minus strand). VCF-style: chr4-82426561-T-C. GRCh37 (hg19) VCF-style: chr4-83347714-T-C.
Other names: c.1022-432A>G (NM_001207000.1); short protein forms Y365C.
Identifiers: ClinVar variation 2874505 (VCV002874505.3), dbSNP rs181209193, ClinGen allele CA2984779.

ClinVar aggregate classification (germline): Uncertain significance (1 of 4 stars; one submission).

Conditions:
Autosomal dominant limb-girdle muscular dystrophy type 1G (LGMDD3). Also called: Limb-girdle muscular dystrophy, type 1G; MUSCULAR DYSTROPHY, LIMB-GIRDLE, AUTOSOMAL DOMINANT 3. Identifiers: Orphanet 55596, MedGen C1836765, MONDO:0012193, OMIM 609115.

Allele frequency attached by ClinVar (database versions not stated): 1000 Genomes Project 30x 0.00016; 1000 Genomes Project 0.00020.

Submission:

Labcorp Genetics (formerly Invitae), Labcorp
Classification: Uncertain significance for Autosomal dominant limb-girdle muscular dystrophy type 1G. Last evaluated: 2025-09-20. Review status: criteria provided, single submitter. Criteria: Invitae Variant Classification Sherloc (09022015). Collection method: clinical testing. Allele origin: germline.
Comment: This sequence change replaces tyrosine, which is neutral and polar, with cysteine, which is neutral and slightly polar, at codon 365 of the HNRNPDL protein (p.Tyr365Cys). This variant is present in population databases (rs181209193, gnomAD 0.003%). This variant has not been reported in the literature in individuals affected with HNRNPDL-related conditions. ClinVar contains an entry for this variant (Variation ID: 2874505). An algorithm developed to predict the effect of missense changes on protein structure and function (PolyPhen-2) suggests that this variant is likely to be tolerated. In summary, the available evidence is currently insufficient to determine the role of this variant in disease. Therefore, it has been classified as a Variant of Uncertain Significance.